The following is an entry in ClinVar:

NM_000283.4(PDE6B):c.1921-9C>G

Gene: PDE6B (phosphodiesterase 6B; plus strand). Cytogenetic location: 4p16.3.
Variant type: single nucleotide variant.
Coding change: c.1921-9C>G on transcript NM_000283.4 (MANE Select); 9 bases into the intron before coding-DNA position 1921, C replaced by G.
Molecular consequence: intron variant.
Genome position (GRCh38, 1-based): chr4:663,761, C>G. VCF-style: chr4-663761-C-G. GRCh37 (hg19) VCF-style: chr4-657550-C-G.
Other names: c.1921-9C>G (NM_001145291.2); c.1084-9C>G (NM_001379246.1, NM_001379247.1, NM_001145292.2 and 1 more transcripts); c.766-9C>G (NM_001350155.3).
Identifiers: ClinVar variation 812372 (VCV000812372.12), dbSNP rs1577301137, ClinGen allele CA915943001.
Genomic context (GRCh38, chr4:663,761, plus strand): 5'-GGGCGGGGTCCCCGGGCACCCTGAGAGGTGGCCGCAGGGCGCCTGACGCGCTGGGCATAA[C>G]CTCCGCAGACCCTGAACATCTACCAGAACCTGAACCGGCGGCAGCACGAGCACGTGATCC-3'

ClinVar aggregate classification (germline): Pathogenic. Review status: criteria provided, multiple submitters, no conflicts (2 of 4 stars). 4 submissions from 4 submitters: Pathogenic (3). 1 of the submissions does not count toward it. Last evaluated 2024-12-07.

Conditions:
Retinal dystrophy. Also called: Inherited retinal dystrophy. Identifiers: Orphanet 71862, MedGen C0854723, MeSH D058499, MONDO:0019118, HP:0000556.
Retinitis pigmentosa (RP). Identifiers: Orphanet 791, MedGen C0035334, MeSH D012174, MONDO:0019200, OMIM 268000. Inheritance: Autosomal dominant, autosomal recessive and X linked inheritance.
PDE6B-related disorder. Also called: PDE6B-related disorders; PDE6B-related disease; PDE6B-related condition.

Allele frequency attached by ClinVar (database versions not stated): gnomAD exomes below 0.00001.
gnomAD v4.1: 1 of 1,607,734 alleles (0.000062%); highest among the groups gnomAD compares: Non-Finnish European, 0.000085%; no homozygotes.

Submissions (4):

Labcorp Genetics (formerly Invitae), Labcorp
Classification: Pathogenic. Last evaluated: 2024-12-07. Review status: criteria provided, single submitter. Criteria: Invitae Variant Classification Sherloc (09022015). Collection method: clinical testing. Allele origin: germline.
Comment: This sequence change falls in intron 15 of the PDE6B gene. It does not directly change the encoded amino acid sequence of the PDE6B protein. This variant is not present in population databases (gnomAD no frequency). This variant has been observed in individuals with autosomal recessive retinitis pigmentosa (PMID: 30820151). ClinVar contains an entry for this variant (Variation ID: 812372). Studies have shown that this variant alters mRNA splicing and is expected to lead to the loss of protein expression (PMID: 30820151). For these reasons, this variant has been classified as Pathogenic.

Institute of Human Genetics, Univ. Regensburg, Univ. Regensburg
Classification: Pathogenic for Retinal dystrophy. Last evaluated: 2021-01-01. Review status: criteria provided, single submitter. Criteria: ACMG Guidelines, 2015. Collection method: clinical testing. Allele origin: germline. Affected: yes.

Blueprint Genetics
Classification: Pathogenic for PDE6B-related disorders. Last evaluated: 2020-09-17. Review status: criteria provided, single submitter. Criteria: ACMG Guidelines, 2015. Collection method: clinical testing. Allele origin: germline. Affected: yes. Observed: 3 variant alleles.

Sharon lab, Hadassah-Hebrew University Medical Center
Classification: Pathogenic for Retinitis pigmentosa. Last evaluated: 2019-06-23. Review status: no assertion criteria provided. Collection method: research. Allele origin: inherited. Affected: yes. Not counted in ClinVar's aggregate classification.

Literature cited by the submitters: PubMed 30820151 (cited by Labcorp Genetics (formerly Invitae), Labcorp and Institute of Human Genetics, Univ. Regensburg, Univ. Regensburg); PubMed 3145629 (cited by Institute of Human Genetics, Univ. Regensburg, Univ. Regensburg).